The following is an entry in ClinVar:

NM_002769.5(PRSS1):c.350C>G (p.Ala117Gly)

Genes: PRSS1 (serine protease 1; plus strand), TRB (T cell receptor beta locus; plus strand). Cytogenetic location: 7q34.
Variant type: single nucleotide variant.
Coding change: c.350C>G on transcript NM_002769.5 (MANE Select); coding-DNA position 350, C replaced by G.
Protein change: p.Ala117Gly; replaces alanine 117 with glycine.
Molecular consequence: missense variant. On other transcripts: non-coding transcript variant (4).
Genome position (GRCh38, 1-based): chr7:142,751,923, C>G. VCF-style: chr7-142751923-C-G. GRCh37 (hg19) VCF-style: chr7-142459774-C-G.
Other names: short protein forms A117G.
Identifiers: ClinVar variation 2726145 (VCV002726145.3), dbSNP rs1798772289, ClinGen allele CA369608893.

ClinVar aggregate classification (germline): Uncertain significance (1 of 4 stars; one submission).

Conditions:
Hereditary pancreatitis (PCTT). Also called: PRSS1-Related Hereditary Pancreatitis; Hereditary chronic pancreatitis. Identifiers: Orphanet 676, MedGen C0238339, MONDO:0008185, OMIM 167800.

Submission:

Labcorp Genetics (formerly Invitae), Labcorp
Classification: Uncertain significance for Hereditary pancreatitis. Last evaluated: 2023-10-30. Review status: criteria provided, single submitter. Criteria: Invitae Variant Classification Sherloc (09022015). Collection method: clinical testing. Allele origin: germline.
Comment: This sequence change replaces alanine, which is neutral and non-polar, with glycine, which is neutral and non-polar, at codon 117 of the PRSS1 protein (p.Ala117Gly). This variant is not present in population databases (gnomAD no frequency). This variant has not been reported in the literature in individuals affected with PRSS1-related conditions. Advanced modeling of protein sequence and biophysical properties (such as structural, functional, and spatial information, amino acid conservation, physicochemical variation, residue mobility, and thermodynamic stability) performed at Invitae indicates that this missense variant is expected to disrupt PRSS1 protein function with a positive predictive value of 80%. In summary, the available evidence is currently insufficient to determine the role of this variant in disease. Therefore, it has been classified as a Variant of Uncertain Significance.